The following is an entry in ClinVar:

ClinVar aggregate classification (germline): Uncertain significance (1 of 4 stars; one submission).

Submission:

Ambry Genetics
Classification: Uncertain significance. Last evaluated: 2025-03-29. Review status: criteria provided, single submitter. Criteria: Ambry Variant Classification Scheme 2023. Collection method: clinical testing. Allele origin: germline.
Comment: The p.R406G variant (also known as c.1216C>G), located in coding exon 11 of the GEN1 gene, results from a C to G substitution at nucleotide position 1216. The arginine at codon 406 is replaced by glycine, an amino acid with dissimilar properties. This amino acid position is conserved. In addition, the in silico prediction for this alteration is inconclusive. Based on the available evidence, the clinical significance of this variant remains unclear.

NM_001130009.3(GEN1):c.1216C>G (p.Arg406Gly)

Gene: GEN1 (GEN1 Holliday junction 5' flap endonuclease; plus strand). Cytogenetic location: 2p24.2.
Variant type: single nucleotide variant.
Coding change: c.1216C>G on transcript NM_001130009.3 (MANE Select); coding-DNA position 1216, C replaced by G.
Protein change: p.Arg406Gly; replaces arginine 406 with glycine.
Molecular consequence: missense variant.
Genome position (GRCh38, 1-based): chr2:17,778,015, C>G. VCF-style: chr2-17778015-C-G. GRCh37 (hg19) VCF-style: chr2-17959282-C-G.
Other names: c.1216C>G, p.Arg406Gly (NM_182625.5); short protein forms R406G.
Identifiers: ClinVar variation 4029179 (VCV004029179.1).